The following is an entry in ClinVar:

NR_033294.2(SNORD118):n.107T>C

Genes: SNORD118 (small nucleolar RNA, C/D box 118; minus strand), TMEM107 (transmembrane protein 107; minus strand). Cytogenetic location: 17p13.1.
Variant type: single nucleotide variant.
Molecular consequence: non-coding transcript variant (on NR_033294.2). On other transcripts: 3 prime UTR variant (5).
Genome position: GRCh38 VCF-style: chr17-8173482-A-G. GRCh37 (hg19) VCF-style: chr17-8076800-A-G.
Other names: c.*721T>C (NM_001351278.2, NM_001351279.2, NM_001351280.2 and 2 more transcripts).
Identifiers: ClinVar variation 1899163 (VCV001899163.7), dbSNP rs377598768, ClinGen allele CA8370616.

ClinVar aggregate classification (germline): Likely benign. Review status: criteria provided, multiple submitters, no conflicts (2 of 4 stars). 2 submissions from 2 submitters: Likely benign (2). Last evaluated 2026-04-01.

Allele frequency attached by ClinVar (database versions not stated): 1000 Genomes Project 30x 0.00016; ESP Exome Variant Server 0.00017; 1000 Genomes Project 0.00020.
gnomAD v4.1: 315 of 765,006 alleles (0.041%); highest among the groups gnomAD compares: South Asian, 0.28%; 3 homozygotes.

Submissions (2):

CeGaT Center for Human Genetics Tuebingen
Classification: Likely benign. Last evaluated: 2026-04-01. Review status: criteria provided, single submitter. Criteria: CeGaT Center For Human Genetics Tuebingen Variant Classification Criteria Version 2. Collection method: clinical testing. Allele origin: germline. Affected: yes. Observed: 1 variant allele.
Comment: SNORD118: BS2

Labcorp Genetics (formerly Invitae), Labcorp
Classification: Likely benign. Last evaluated: 2025-12-08. Review status: criteria provided, single submitter. Criteria: Invitae Variant Classification Sherloc (09022015). Collection method: clinical testing. Allele origin: germline.